The following is an entry in ClinVar:

ClinVar aggregate classification (germline): Uncertain significance (1 of 4 stars; one submission).

Submission:

Labcorp Genetics (formerly Invitae), Labcorp
Classification: Uncertain significance. Last evaluated: 2017-11-18. Review status: criteria provided, single submitter. Criteria: Invitae Variant Classification Sherloc (09022015). Collection method: clinical testing. Allele origin: germline.
Comment: This variant has not been reported in the literature in individuals with CHRNG-related disease. In summary, the available evidence is currently insufficient to determine the role of this variant in disease. Therefore, it has been classified as a Variant of Uncertain Significance. Nucleotide substitutions within the consensus splice site are a relatively common cause of aberrant splicing (PMID: 17576681, 9536098). Algorithms developed to predict the effect of sequence changes on RNA splicing suggest that this variant may disrupt the consensus splice site, but this prediction has not been confirmed by published transcriptional studies. This variant is not present in population databases (ExAC no frequency). This sequence change falls in intron 11 of the CHRNG gene. It does not directly change the encoded amino acid sequence of the CHRNG protein, but it affects a nucleotide within the consensus splice site of the intron.

Literature cited by the submitters: PubMed 17576681; PubMed 9536098.

NM_005199.5(CHRNG):c.1380+4A>G

Genes: CHRNG (cholinergic receptor nicotinic gamma subunit; plus strand), TIGD1 (tigger transposable element derived 1; minus strand). Cytogenetic location: 2q37.1.
Variant type: single nucleotide variant.
Coding change: c.1380+4A>G on transcript NM_005199.5 (MANE Select); 4 bases into the intron after coding-DNA position 1380, A replaced by G.
Molecular consequence: intron variant. On other transcripts: 3 prime UTR variant (1).
Genome position (GRCh38, 1-based): chr2:232,544,906, A>G. VCF-style: chr2-232544906-A-G. GRCh37 (hg19) VCF-style: chr2-233409616-A-G.
Other names: c.*3201T>C (NM_145702.4).
Identifiers: ClinVar variation 1055419 (VCV001055419.8), dbSNP rs2106223228, ClinGen allele CA2499215794.